The following is an entry in ClinVar:

ClinVar aggregate classification (germline): Uncertain significance (1 of 4 stars; one submission).

Conditions:
Joubert syndrome 14 (JBTS14). Identifiers: MedGen C3280766, MONDO:0013745, OMIM 614424.

Allele frequency attached by ClinVar (database versions not stated): gnomAD exomes below 0.00001.
gnomAD v4.1: 1 of 1,612,714 alleles (0.000062%); highest among the groups gnomAD compares: Non-Finnish European, 0.000085%; no homozygotes.

Submission:

Labcorp Genetics (formerly Invitae), Labcorp
Classification: Uncertain significance for Joubert syndrome 14. Last evaluated: 2023-11-27. Review status: criteria provided, single submitter. Criteria: Invitae Variant Classification Sherloc (09022015). Collection method: clinical testing. Allele origin: germline.
Comment: This sequence change replaces leucine, which is neutral and non-polar, with phenylalanine, which is neutral and non-polar, at codon 219 of the TMEM237 protein (p.Leu219Phe). This variant is not present in population databases (gnomAD no frequency). This variant has not been reported in the literature in individuals affected with TMEM237-related conditions. ClinVar contains an entry for this variant (Variation ID: 1469611). Advanced modeling of protein sequence and biophysical properties (such as structural, functional, and spatial information, amino acid conservation, physicochemical variation, residue mobility, and thermodynamic stability) has been performed at Invitae for this missense variant, however the output from this modeling did not meet the statistical confidence thresholds required to predict the impact of this variant on TMEM237 protein function. In summary, the available evidence is currently insufficient to determine the role of this variant in disease. Therefore, it has been classified as a Variant of Uncertain Significance.

NM_001044385.3(TMEM237):c.655C>T (p.Leu219Phe)

Gene: TMEM237 (transmembrane protein 237; minus strand). Cytogenetic location: 2q33.1.
Variant type: single nucleotide variant.
Coding change: c.655C>T on transcript NM_001044385.3 (MANE Select); coding-DNA position 655, C replaced by T.
Protein change: p.Leu219Phe; replaces leucine 219 with phenylalanine.
Molecular consequence: missense variant.
Genome position (GRCh38, 1-based): chr2:201,629,751, G>A on the plus strand (C>T on the coding strand, the complement: TMEM237 is on the minus strand). VCF-style: chr2-201629751-G-A. GRCh37 (hg19) VCF-style: chr2-202494474-G-A.
Other names: c.631C>T, p.Leu211Phe (NM_152388.4); short protein forms L219F, L211F.
Identifiers: ClinVar variation 1469611 (VCV001469611.6), dbSNP rs2105899190, ClinGen allele CA350310228.